The following is an entry in ClinVar:

NM_006214.4(PHYH):c.986G>A (p.Arg329Gln)

Gene: PHYH (phytanoyl-CoA 2-hydroxylase; minus strand). Cytogenetic location: 10p13.
Variant type: single nucleotide variant.
Coding change: c.986G>A on transcript NM_006214.4 (MANE Select); coding-DNA position 986, G replaced by A.
Protein change: p.Arg329Gln; replaces arginine 329 with glutamine.
Molecular consequence: missense variant.
Genome position (GRCh38, 1-based): chr10:13,278,332, C>T on the plus strand (G>A on the coding strand, the complement: PHYH is on the minus strand). VCF-style: chr10-13278332-C-T. GRCh37 (hg19) VCF-style: chr10-13320332-C-T.
Other names: c.686G>A, p.Arg229Gln (NM_001037537.2, NM_001323080.2); c.992G>A, p.Arg331Gln (NM_001323082.2); c.722G>A, p.Arg241Gln (NM_001323083.2); c.692G>A, p.Arg231Gln (NM_001323084.2); short protein forms R241Q, R329Q, R331Q, R229Q, R231Q.
Identifiers: ClinVar variation 943839 (VCV000943839.8), dbSNP rs144085594, ClinGen allele CA5412175.
Genomic context (GRCh38, chr10:13,278,332, plus strand): 5'-TGTTGAAAGAGTTATAGCAGATGGCTATTTCAAAGATTGGTTCTTTCTCCTTTCACAAGT[C>T]GAGCTCGAAACATCCAAATATCCTGGAAATAATATCAAACAGAGTGGGTTTATGGAACAC-3'
Protein context (NP_006205.1, residues 319-338): NLKDIWMFRA[Arg329Gln]LVKGERTNL

ClinVar aggregate classification (germline): Uncertain significance. Review status: criteria provided, multiple submitters, no conflicts (2 of 4 stars). 3 submissions from 3 submitters: Uncertain significance (3). Last evaluated 2024-10-23.

Allele frequency attached by ClinVar (database versions not stated): TOPMed 0.00005; ESP Exome Variant Server 0.00015; gnomAD 0.00009 and 0.00010.
gnomAD v4.1: 169 of 1,612,458 alleles (0.01%); highest among the groups gnomAD compares: Middle Eastern, 0.049%; no homozygotes.

Submissions (3):

Labcorp Genetics (formerly Invitae), Labcorp
Classification: Uncertain significance. Last evaluated: 2024-10-23. Review status: criteria provided, single submitter. Criteria: Invitae Variant Classification Sherloc (09022015). Collection method: clinical testing. Allele origin: germline.
Comment: This sequence change replaces arginine, which is basic and polar, with glutamine, which is neutral and polar, at codon 329 of the PHYH protein (p.Arg329Gln). This variant is present in population databases (rs144085594, gnomAD 0.02%). This missense change has been observed in individual(s) with clinical features of complex I deficiency (PMID: 20818383). ClinVar contains an entry for this variant (Variation ID: 943839). An algorithm developed to predict the effect of missense changes on protein structure and function outputs the following: PolyPhen-2: "Benign". The glutamine amino acid residue is found in multiple mammalian species, which suggests that this missense change does not adversely affect protein function. In summary, the available evidence is currently insufficient to determine the role of this variant in disease. Therefore, it has been classified as a Variant of Uncertain Significance.

Blueprint Genetics
Classification: Uncertain significance. Last evaluated: 2023-12-21. Review status: criteria provided, single submitter. Criteria: ACMG Guidelines, 2015. Collection method: clinical testing. Allele origin: germline.

Breakthrough Genomics
Classification: Uncertain significance. Review status: criteria provided, single submitter. Criteria: ACMG Guidelines, 2015. Collection method: not provided. Allele origin: germline. Inheritance: Autosomal recessive inheritance. Affected: yes.

Literature cited by the submitters: PubMed 20818383 (cited by Labcorp Genetics (formerly Invitae), Labcorp).